The following is an entry in ClinVar:

ClinVar aggregate classification (germline): Uncertain significance. Review status: criteria provided, multiple submitters, no conflicts (2 of 4 stars). 2 submissions from 2 submitters: Uncertain significance (2). Last evaluated 2024-05-24.

Conditions:
Inborn genetic diseases. Identifiers: MedGen C0950123, MeSH D030342.

Allele frequency attached by ClinVar (database versions not stated): ExAC 0.00001; gnomAD 0.00001; gnomAD exomes 0.00001; TOPMed 0.00001; 1000 Genomes Project 0.00020; 1000 Genomes Project 30x 0.00031.
gnomAD v4.1: 10 of 1,614,254 alleles (0.00062%); highest among the groups gnomAD compares: East Asian, 0.02%; no homozygotes.

Submissions (2):

Ambry Genetics
Classification: Uncertain significance for Inborn genetic diseases. Last evaluated: 2024-05-24. Review status: criteria provided, single submitter. Criteria: Ambry Variant Classification Scheme 2023. Collection method: clinical testing. Allele origin: germline.

Labcorp Genetics (formerly Invitae), Labcorp
Classification: Uncertain significance. Last evaluated: 2022-03-09. Review status: criteria provided, single submitter. Criteria: Invitae Variant Classification Sherloc (09022015). Collection method: clinical testing. Allele origin: germline.
Comment: This sequence change replaces isoleucine, which is neutral and non-polar, with methionine, which is neutral and non-polar, at codon 828 of the TRPM1 protein (p.Ile828Met). This variant is present in population databases (rs188417056, gnomAD 0.02%). This variant has not been reported in the literature in individuals affected with TRPM1-related conditions. ClinVar contains an entry for this variant (Variation ID: 962061). Algorithms developed to predict the effect of missense changes on protein structure and function are either unavailable or do not agree on the potential impact of this missense change (SIFT: "Deleterious"; PolyPhen-2: "Probably Damaging"; Align-GVGD: "Class C0"). In summary, the available evidence is currently insufficient to determine the role of this variant in disease. Therefore, it has been classified as a Variant of Uncertain Significance.

NM_001252024.2(TRPM1):c.2550T>G (p.Ile850Met)

Gene: TRPM1 (transient receptor potential cation channel subfamily M member 1; minus strand). Cytogenetic location: 15q13.3.
Variant type: single nucleotide variant.
Coding change: c.2550T>G on transcript NM_001252024.2 (MANE Select); coding-DNA position 2550, T replaced by G.
Protein change: p.Ile850Met; replaces isoleucine 850 with methionine.
Molecular consequence: missense variant.
Genome position (GRCh38, 1-based): chr15:31,037,732, A>C on the plus strand (T>G on the coding strand, the complement: TRPM1 is on the minus strand). VCF-style: chr15-31037732-A-C. GRCh37 (hg19) VCF-style: chr15-31329935-A-C.
Other names: c.2601T>G, p.Ile867Met (NM_001252020.2); c.2484T>G, p.Ile828Met (NM_002420.6); c.2484T>G (NM_002420.4); short protein forms I828M, I850M, I867M.
Identifiers: ClinVar variation 962061 (VCV000962061.11), dbSNP rs188417056, ClinGen allele CA7452163.